The following is an entry in ClinVar:

ClinVar aggregate classification (germline): Uncertain significance (1 of 4 stars; one submission).

Conditions:
3-Methylglutaconic aciduria type 2 (BTHS). Also called: Barth syndrome; CARDIOSKELETAL MYOPATHY WITH NEUTROPENIA AND ABNORMAL MITOCHONDRIA. Identifiers: Orphanet 111, MedGen C0574083, MONDO:0010543, OMIM 302060.

Allele frequency attached by ClinVar (database versions not stated): gnomAD exomes 0.00001; TOPMed 0.00001.
gnomAD v4.1: 8 of 1,211,055 alleles (0.00066%); highest among the groups gnomAD compares: East Asian, 0.003%; no homozygotes.

Submission:

Labcorp Genetics (formerly Invitae), Labcorp
Classification: Uncertain significance for 3-Methylglutaconic aciduria type 2. Last evaluated: 2024-10-03. Review status: criteria provided, single submitter. Criteria: Invitae Variant Classification Sherloc (09022015). Collection method: clinical testing. Allele origin: germline.
Comment: This sequence change replaces arginine, which is basic and polar, with glutamine, which is neutral and polar, at codon 251 of the TAZ protein (p.Arg251Gln). This variant is present in population databases (no rsID available, gnomAD 0.008%). This variant has not been reported in the literature in individuals affected with TAZ-related conditions. ClinVar contains an entry for this variant (Variation ID: 2184937). An algorithm developed to predict the effect of missense changes on protein structure and function outputs the following: PolyPhen-2: "Benign". The glutamine amino acid residue is found in multiple mammalian species, which suggests that this missense change does not adversely affect protein function. In summary, the available evidence is currently insufficient to determine the role of this variant in disease. Therefore, it has been classified as a Variant of Uncertain Significance.

NM_000116.5(TAFAZZIN):c.752G>A (p.Arg251Gln)

Gene: TAFAZZIN (tafazzin, phospholipid-lysophospholipid transacylase; plus strand). Cytogenetic location: Xq28.
Variant type: single nucleotide variant.
Coding change: c.752G>A on transcript NM_000116.5 (MANE Select); coding-DNA position 752, G replaced by A.
Protein change: p.Arg251Gln; replaces arginine 251 with glutamine.
Molecular consequence: missense variant. On other transcripts: non-coding transcript variant (1).
Genome position (GRCh38, 1-based): chrX:154,420,710, G>A. VCF-style: chrX-154420710-G-A. GRCh37 (hg19) VCF-style: chrX-153649049-G-A.
Other names: c.764G>A, p.Arg255Gln (NM_001303465.2); c.716G>A, p.Arg239Gln (NM_001410698.1); c.662G>A, p.Arg221Gln (NM_181311.4); c.710G>A, p.Arg237Gln (NM_181312.4); c.620G>A, p.Arg207Gln (NM_181313.4); short protein forms R221Q, R237Q, R255Q, R239Q, R251Q, R207Q.
Identifiers: ClinVar variation 2184937 (VCV002184937.4), dbSNP rs397515748, ClinGen allele CA415185458.
Genomic context (GRCh38, chrX:154,420,710, plus strand): 5'-CCCCACAGAAAATCACTGTGCTGATCGGGAAGCCCTTCAGTGCCCTGCCTGTACTCGAGC[G>A]GCTCCGGGCGGAGAACAAGTCGGCTGTGAGTTTCCTCCTGGGTCCCCCGTAGCTGTCCCC-3'
Protein context (NP_000107.1, residues 241-261): KPFSALPVLE[Arg251Gln]LRAENKSAVE